The following is an entry in ClinVar:

ClinVar aggregate classification (germline): Uncertain significance (1 of 4 stars; one submission).

Submission:

CeGaT Center for Human Genetics Tuebingen
Classification: Uncertain significance. Last evaluated: 2024-01-01. Review status: criteria provided, single submitter. Criteria: CeGaT Center For Human Genetics Tuebingen Variant Classification Criteria Version 2. Collection method: clinical testing. Allele origin: germline. Affected: yes. Observed: 1 variant allele.
Comment: TTN: PM2

NM_001267550.2(TTN):c.106273G>A (p.Gly35425Arg)

Genes: TTN (titin; minus strand), TTN-AS1 (TTN antisense RNA 1; plus strand). Cytogenetic location: 2q31.2.
Variant type: single nucleotide variant.
Coding change: c.106273G>A on transcript NM_001267550.2 (MANE Select); coding-DNA position 106273, G replaced by A.
Protein change: p.Gly35425Arg; replaces glycine 35425 with arginine.
Molecular consequence: missense variant.
Genome position (GRCh38, 1-based): chr2:178,530,342, C>T on the plus strand (G>A on the coding strand, the complement: TTN is on the minus strand). VCF-style: chr2-178530342-C-T. GRCh37 (hg19) VCF-style: chr2-179395069-C-T.
Other names: c.101350G>A, p.Gly33784Arg (NM_001256850.1); c.79078G>A, p.Gly26360Arg (NM_003319.4); c.98569G>A, p.Gly32857Arg (NM_133378.4); c.79453G>A, p.Gly26485Arg (NM_133432.3); c.79654G>A, p.Gly26552Arg (NM_133437.4); short protein forms G26360R, G26485R, G26552R, G32857R, G33784R, G35425R.
Identifiers: ClinVar variation 3027063 (VCV003027063.22), dbSNP rs775097433, ClinGen allele CA349406365.
Genomic context (GRCh38, chr2:178,530,342, plus strand): 5'-CAGTAGCCTTAACTGCAAATTTAGCAACACTGTCTGAAGAAACAGTTGTATCCTGCAACC[C>T]AGTAACAATTACTGGTTTTGAGGAAATTGGTTCAGGAGCTTTTGGTTCAGTTTTTCTGGT-3'
Protein context (NP_001254479.2, residues 35415-35435): PISSKPVIVT[Gly35425Arg]LQDTTVSSDS